The following is an entry in ClinVar:

ClinVar aggregate classification (germline): Uncertain significance (1 of 4 stars; one submission).

Submission:

GeneDx
Classification: Uncertain significance. Last evaluated: 2025-06-04. Review status: criteria provided, single submitter. Criteria: GeneDx Variant Classification Process June 2021. Collection method: clinical testing. Allele origin: germline. Affected: yes.
Comment: Not observed at significant frequency in large population cohorts (gnomAD); In silico analysis supports that this missense variant has a deleterious effect on protein structure/function; Has not been previously published as pathogenic or benign to our knowledge

NM_001134673.4(NFIA):c.389A>G (p.Asp130Gly)

Gene: NFIA (nuclear factor I A; plus strand). Cytogenetic location: 1p31.3.
Variant type: single nucleotide variant.
Coding change: c.389A>G on transcript NM_001134673.4 (MANE Select); coding-DNA position 389, A replaced by G.
Protein change: p.Asp130Gly; replaces aspartic acid 130 with glycine.
Molecular consequence: missense variant.
Genome position (GRCh38, 1-based): chr1:61,088,510, A>G. VCF-style: chr1-61088510-A-G. GRCh37 (hg19) VCF-style: chr1-61554182-A-G.
Other names: c.365A>G, p.Asp122Gly (NM_001145511.2); c.524A>G, p.Asp175Gly (NM_001145512.2); c.389A>G, p.Asp130Gly (NM_005595.5); short protein forms D122G, D130G, D175G.
Identifiers: ClinVar variation 4536558 (VCV004536558.1).